The following is an entry in ClinVar:

NM_014629.4(ARHGEF10):c.2522A>G (p.Glu841Gly)

Gene: ARHGEF10 (Rho guanine nucleotide exchange factor 10; plus strand). Cytogenetic location: 8p23.3.
Variant type: single nucleotide variant.
Coding change: c.2522A>G on transcript NM_014629.4 (MANE Select); coding-DNA position 2522, A replaced by G.
Protein change: p.Glu841Gly; replaces glutamic acid 841 with glycine.
Molecular consequence: missense variant.
Genome position (GRCh38, 1-based): chr8:1,925,316, A>G. VCF-style: chr8-1925316-A-G. GRCh37 (hg19) VCF-style: chr8-1873482-A-G.
Other names: c.2408A>G, p.Glu803Gly (NM_001308152.2, NM_001438094.1); c.2522A>G, p.Glu841Gly (NM_001308153.3); c.2525A>G, p.Glu842Gly (NM_001438091.1); c.2405A>G, p.Glu802Gly (NM_001438092.1, NM_001438093.1); short protein forms E802G, E842G, E803G, E865G, E841G.
Identifiers: ClinVar variation 4694980 (VCV004694980.1).

ClinVar aggregate classification (germline): Uncertain significance (1 of 4 stars; one submission).

gnomAD v4.1: 12 of 1,614,196 alleles (0.00074%); highest among the groups gnomAD compares: Middle Eastern, 0.016%; no homozygotes.

Submission:

Labcorp Genetics (formerly Invitae), Labcorp
Classification: Uncertain significance. Last evaluated: 2025-04-07. Review status: criteria provided, single submitter. Criteria: Invitae Variant Classification Sherloc (09022015). Collection method: clinical testing. Allele origin: germline.
Comment: This sequence change replaces glutamic acid, which is acidic and polar, with glycine, which is neutral and non-polar, at codon 841 of the ARHGEF10 protein (p.Glu841Gly). This variant is present in population databases (rs145893322, gnomAD 0.01%). This variant has not been reported in the literature in individuals affected with ARHGEF10-related conditions. Invitae Evidence Modeling of protein sequence and biophysical properties (such as structural, functional, and spatial information, amino acid conservation, physicochemical variation, residue mobility, and thermodynamic stability) indicates that this missense variant is not expected to disrupt ARHGEF10 protein function with a negative predictive value of 80%. In summary, the available evidence is currently insufficient to determine the role of this variant in disease. Therefore, it has been classified as a Variant of Uncertain Significance.